The following is an entry in ClinVar:

NM_005732.4(RAD50):c.3181G>A (p.Glu1061Lys)

Gene: RAD50 (RAD50 double strand break repair protein; plus strand). Cytogenetic location: 5q31.1.
Variant type: single nucleotide variant.
Coding change: c.3181G>A on transcript NM_005732.4 (MANE Select); coding-DNA position 3181, G replaced by A.
Protein change: p.Glu1061Lys; replaces glutamic acid 1061 with lysine.
Molecular consequence: missense variant.
Genome position (GRCh38, 1-based): chr5:132,618,086, G>A. VCF-style: chr5-132618086-G-A. GRCh37 (hg19) VCF-style: chr5-131953778-G-A.
Other names: short protein forms E1061K.
Identifiers: ClinVar variation 527384 (VCV000527384.9), dbSNP rs374859609, ClinGen allele CA127265528.

ClinVar aggregate classification (germline): Uncertain significance. Review status: criteria provided, multiple submitters, no conflicts (2 of 4 stars). 2 submissions from 2 submitters: Uncertain significance (2). Last evaluated 2024-02-13.

Conditions:
Hereditary cancer-predisposing syndrome. Also called: Neoplastic Syndromes, Hereditary; Tumor predisposition; Hereditary Cancer Syndrome; Hereditary neoplastic syndrome. Identifiers: Orphanet 140162, MedGen C0027672, MeSH D009386, MONDO:0015356.

Allele frequency attached by ClinVar (database versions not stated): gnomAD exomes below 0.00001; ESP Exome Variant Server 0.00008.
gnomAD v4.1: 5 of 1,613,312 alleles (0.00031%); highest among the groups gnomAD compares: Non-Finnish European, 0.00042%; no homozygotes.

Submissions (2):

Ambry Genetics
Classification: Uncertain significance for Hereditary cancer-predisposing syndrome. Last evaluated: 2024-02-13. Review status: criteria provided, single submitter. Criteria: Ambry Variant Classification Scheme 2023. Collection method: clinical testing. Allele origin: germline.
Comment: The p.E1061K variant (also known as c.3181G>A), located in coding exon 21 of the RAD50 gene, results from a G to A substitution at nucleotide position 3181. The glutamic acid at codon 1061 is replaced by lysine, an amino acid with similar properties. This amino acid position is not well conserved in available vertebrate species. In addition, this alteration is predicted to be tolerated by in silico analysis. Since supporting evidence is limited at this time, the clinical significance of this alteration remains unclear.

Labcorp Genetics (formerly Invitae), Labcorp
Classification: Uncertain significance for Hereditary cancer-predisposing syndrome. Last evaluated: 2023-10-10. Review status: criteria provided, single submitter. Criteria: Invitae Variant Classification Sherloc (09022015). Collection method: clinical testing. Allele origin: germline.
Comment: This sequence change replaces glutamic acid, which is acidic and polar, with lysine, which is basic and polar, at codon 1061 of the RAD50 protein (p.Glu1061Lys). This variant is not present in population databases (gnomAD no frequency). This variant has not been reported in the literature in individuals affected with RAD50-related conditions. ClinVar contains an entry for this variant (Variation ID: 527384). Advanced modeling of protein sequence and biophysical properties (such as structural, functional, and spatial information, amino acid conservation, physicochemical variation, residue mobility, and thermodynamic stability) performed at Invitae indicates that this missense variant is not expected to disrupt RAD50 protein function. In summary, the available evidence is currently insufficient to determine the role of this variant in disease. Therefore, it has been classified as a Variant of Uncertain Significance.